The following is an entry in ClinVar:

NM_000051.4(ATM):c.4777-1G>A

Gene: ATM (ATM serine/threonine kinase; plus strand). Cytogenetic location: 11q22.3.
Variant type: single nucleotide variant.
Coding change: c.4777-1G>A on transcript NM_000051.4 (MANE Select); the canonical splice acceptor site of the intron before coding-DNA position 4777, G replaced by A.
Molecular consequence: splice acceptor variant.
Genome position (GRCh38, 1-based): chr11:108,294,926, G>A. VCF-style: chr11-108294926-G-A. GRCh37 (hg19) VCF-style: chr11-108165653-G-A.
Other names: c.4777-1G>A (NM_001351834.2).
Identifiers: ClinVar variation 646077 (VCV000646077.9), dbSNP rs1591684268, ClinGen allele CA382536081.

ClinVar aggregate classification (germline): Pathogenic (1 of 4 stars; one submission).

Conditions:
Ataxia-telangiectasia syndrome (AT). Also called: LOUIS-BAR SYNDROME; Ataxia-telangiectasia, complementation group E; Ataxia-telangiectasia, complementation group D; AT, COMPLEMENTATION GROUP C; Ataxia telangiectasia (A-T); Cerebello-oculocutaneous telangiectasia. Identifiers: Orphanet 100, MedGen C0004135, MONDO:0008840, OMIM 208900.

Submission:

Labcorp Genetics (formerly Invitae), Labcorp
Classification: Pathogenic for Ataxia-telangiectasia syndrome. Last evaluated: 2025-01-27. Review status: criteria provided, single submitter. Criteria: Invitae Variant Classification Sherloc (09022015). Collection method: clinical testing. Allele origin: germline.
Comment: This sequence change affects an acceptor splice site in intron 31 of the ATM gene. It is expected to disrupt RNA splicing. Variants that disrupt the donor or acceptor splice site typically lead to a loss of protein function (PMID: 16199547), and loss-of-function variants in ATM are known to be pathogenic (PMID: 23807571, 25614872). This variant is not present in population databases (gnomAD no frequency). Disruption of this splice site has been observed in individuals with ataxia-telangiectasia (PMID: 15880721, 23726790). ClinVar contains an entry for this variant (Variation ID: 646077). Algorithms developed to predict the effect of sequence changes on RNA splicing suggest that this variant may disrupt the consensus splice site. For these reasons, this variant has been classified as Pathogenic.

Literature cited by the submitters: PubMed 16199547; PubMed 23807571; PubMed 25614872; PubMed 15880721; PubMed 23726790.